The following is an entry in ClinVar:

ClinVar aggregate classification (germline): Uncertain significance (1 of 4 stars; one submission).

gnomAD v4.1: 81 of 1,393,142 alleles (0.0058%); highest among the groups gnomAD compares: Non-Finnish European, 0.0068%; no homozygotes.

Submission:

GeneDx
Classification: Uncertain significance. Last evaluated: 2023-06-26. Review status: criteria provided, single submitter. Criteria: GeneDx Variant Classification Process June 2021. Collection method: clinical testing. Allele origin: germline. Affected: yes.
Comment: Not observed at significant frequency in large population cohorts (gnomAD); In silico analysis supports that this missense variant does not alter protein structure/function; Has not been previously published as pathogenic or benign to our knowledge

NM_025152.3(NUBPL):c.64A>G (p.Thr22Ala)

Gene: NUBPL (NUBP iron-sulfur cluster assembly factor, mitochondrial; plus strand). Cytogenetic location: 14q12.
Variant type: single nucleotide variant.
Coding change: c.64A>G on transcript NM_025152.3 (MANE Select); coding-DNA position 64, A replaced by G.
Protein change: p.Thr22Ala; replaces threonine 22 with alanine.
Molecular consequence: missense variant. On other transcripts: non-coding transcript variant (1).
Genome position (GRCh38, 1-based): chr14:31,561,503, A>G. VCF-style: chr14-31561503-A-G. GRCh37 (hg19) VCF-style: chr14-32030709-A-G.
Other names: short protein forms T22A.
Identifiers: ClinVar variation 3342423 (VCV003342423.1).